The following is an entry in ClinVar:

ClinVar aggregate classification (germline): Uncertain significance. Review status: criteria provided, multiple submitters, no conflicts (2 of 4 stars). 4 submissions from 4 submitters: Uncertain significance (4). Last evaluated 2026-06-01.

Conditions:
DDX41-related disorder. Also called: DDX41-related condition.
Inborn genetic diseases. Identifiers: MedGen C0950123, MeSH D030342.
DDX41-related hematologic malignancy predisposition syndrome. Also called: DDX41-Associated Familial Myelodysplastic Syndrome and Acute Myeloid Leukemia; Myeloproliferative/lymphoproliferative neoplasms, familial (multiple types), susceptibility to. Identifiers: Orphanet 488647, MedGen C4225174, MONDO:0014809, OMIM 616871.

Allele frequency attached by ClinVar (database versions not stated): ExAC 0.00001; gnomAD 0.00001; gnomAD exomes below 0.00001.
gnomAD v4.1: 8 of 1,613,990 alleles (0.0005%); highest among the groups gnomAD compares: East Asian, 0.0022%; no homozygotes.

Submissions (4):

PreventionGenetics, part of Exact Sciences
Classification: Uncertain significance for DDX41-related condition. Last evaluated: 2026-06-01. Review status: criteria provided, single submitter. Criteria: ACMG Guidelines, 2015. Collection method: clinical testing. Allele origin: germline.
Comment: The DDX41 c.1538T>C variant is predicted to result in the amino acid substitution p.Ile513Thr. To our knowledge, this variant has not been reported in the literature. This variant is reported in 0.0033% of alleles in individuals of South Asian descent in gnomAD. At this time, the clinical significance of this variant is uncertain due to the absence of conclusive functional and genetic evidence.

Saint-Louis Hospital, Assistance Publique Hôpitaux de Paris
Classification: Uncertain significance for DDX41-related hematologic malignancy predisposition syndrome. Last evaluated: 2025-05-13. Review status: criteria provided, single submitter. Criteria: ACMG Guidelines, 2015. Collection method: clinical testing. Allele origin: germline. Affected: yes.
Comment: The variant DDX41 (NM_016222.4):c.1538T>C:p.(Ile513Thr) is very rare in control population database, and predicted to be deleterious according multiple line of computational evidence. It has not been described in DDX41-myeloid malignancies predispositions. Currently, the role of this variant in disease is still unelucidate and that is why we cosnider it as Variant of unknown significance.

Ambry Genetics
Classification: Uncertain significance for Inborn genetic diseases. Last evaluated: 2025-05-01. Review status: criteria provided, single submitter. Criteria: Ambry Variant Classification Scheme 2023. Collection method: clinical testing. Allele origin: germline.
Comment: The p.I513T variant (also known as c.1538T>C), located in coding exon 14 of the DDX41 gene, results from a T to C substitution at nucleotide position 1538. The isoleucine at codon 513 is replaced by threonine, an amino acid with similar properties. This amino acid position is highly conserved in available vertebrate species. In addition, this alteration is predicted to be deleterious by in silico analysis. Based on the available evidence, the clinical significance of this variant remains unclear.

Labcorp Genetics (formerly Invitae), Labcorp
Classification: Uncertain significance. Last evaluated: 2023-09-01. Review status: criteria provided, single submitter. Criteria: Invitae Variant Classification Sherloc (09022015). Collection method: clinical testing. Allele origin: germline.
Comment: This sequence change replaces isoleucine, which is neutral and non-polar, with threonine, which is neutral and polar, at codon 513 of the DDX41 protein (p.Ile513Thr). This variant is present in population databases (rs772902682, gnomAD 0.003%). This variant has not been reported in the literature in individuals affected with DDX41-related conditions. An algorithm developed to predict the effect of missense changes on protein structure and function (PolyPhen-2) suggests that this variant is likely to be tolerated. In summary, the available evidence is currently insufficient to determine the role of this variant in disease. Therefore, it has been classified as a Variant of Uncertain Significance.

NM_016222.4(DDX41):c.1538T>C (p.Ile513Thr)

Gene: DDX41 (DEAD-box helicase 41; minus strand). Cytogenetic location: 5q35.3.
Variant type: single nucleotide variant.
Coding change: c.1538T>C on transcript NM_016222.4 (MANE Select); coding-DNA position 1538, T replaced by C.
Protein change: p.Ile513Thr; replaces isoleucine 513 with threonine.
Molecular consequence: missense variant.
Genome position (GRCh38, 1-based): chr5:177,512,507, A>G on the plus strand (T>C on the coding strand, the complement: DDX41 is on the minus strand). VCF-style: chr5-177512507-A-G. GRCh37 (hg19) VCF-style: chr5-176939508-A-G.
Other names: c.1538T>C (NM_016222.3, NM_016222.2); c.1160T>C, p.Ile387Thr (NM_001321732.2, NM_001321830.2); short protein forms I387T, I513T.
Identifiers: ClinVar variation 2864398 (VCV002864398.6), dbSNP rs772902682, ClinGen allele CA3584725.